The following is an entry in ClinVar:

NM_001040108.2(MLH3):c.437T>C (p.Val146Ala)

Gene: MLH3 (mutL homolog 3; minus strand). Cytogenetic location: 14q24.3.
Variant type: single nucleotide variant.
Coding change: c.437T>C on transcript NM_001040108.2 (MANE Select); coding-DNA position 437, T replaced by C.
Protein change: p.Val146Ala; replaces valine 146 with alanine.
Molecular consequence: missense variant.
Genome position (GRCh38, 1-based): chr14:75,049,219, A>G on the plus strand (T>C on the coding strand, the complement: MLH3 is on the minus strand). VCF-style: chr14-75049219-A-G. GRCh37 (hg19) VCF-style: chr14-75515922-A-G.
Other names: c.437T>C, p.Val146Ala (NM_014381.3); short protein forms V146A.
Identifiers: ClinVar variation 3873494 (VCV003873494.1).

ClinVar aggregate classification (germline): Uncertain significance (1 of 4 stars; one submission).

Submission:

Ambry Genetics
Classification: Uncertain significance. Last evaluated: 2025-01-13. Review status: criteria provided, single submitter. Criteria: Ambry Variant Classification Scheme 2023. Collection method: clinical testing. Allele origin: germline.
Comment: The p.V146A variant (also known as c.437T>C), located in coding exon 1 of the MLH3 gene, results from a T to C substitution at nucleotide position 437. The valine at codon 146 is replaced by alanine, an amino acid with similar properties. This amino acid position is conserved. In addition, the in silico prediction for this alteration is inconclusive. Based on the available evidence, the clinical significance of this variant remains unclear.